The following is an entry in ClinVar:

NM_001308093.3(GATA4):c.910G>A (p.Gly304Arg)

Gene: GATA4 (GATA binding protein 4). Cytogenetic location: 8p23.1.
Variant type: single nucleotide variant.
Coding change: c.910G>A on transcript NM_001308093.3 (MANE Select); coding-DNA position 910, G replaced by A.
Protein change: p.Gly304Arg; replaces glycine 304 with arginine.
Molecular consequence: missense variant. On other transcripts: intron variant (1).
Genome position (GRCh38, 1-based): chr8:11,750,234, G>A. VCF-style: chr8-11750234-G-A. GRCh37 (hg19) VCF-style: chr8-11607743-G-A.
Other names: c.289G>A, p.Gly97Arg (NM_001308094.2, NM_001374273.1); c.907G>A, p.Gly303Arg (NM_002052.5); c.165+1149G>A (NM_001374274.1); short protein forms G303R, G304R, G97R.
Identifiers: ClinVar variation 3897161 (VCV003897161.2).

ClinVar aggregate classification (germline): Uncertain significance. Review status: criteria provided, multiple submitters, no conflicts (2 of 4 stars). 2 submissions from 2 submitters: Uncertain significance (2). Last evaluated 2026-01-21.

Conditions:
Atrioventricular septal defect 4 (AVSD4). Identifiers: MedGen C3280781, MONDO:0013747, OMIM 614430.

gnomAD v4.1: 15 of 1,612,518 alleles (0.00093%); highest among the groups gnomAD compares: African/African-American, 0.0013%; no homozygotes.

Submissions (2):

Labcorp Genetics (formerly Invitae), Labcorp
Classification: Uncertain significance for Atrioventricular septal defect 4. Last evaluated: 2026-01-21. Review status: criteria provided, single submitter. Criteria: Invitae Variant Classification Sherloc (09022015). Collection method: clinical testing. Allele origin: germline.
Comment: This sequence change replaces glycine, which is neutral and non-polar, with arginine, which is basic and polar, at codon 303 of the GATA4 protein (p.Gly303Arg). This variant is present in population databases (no rsID available, gnomAD 0.01%). This variant has not been reported in the literature in individuals affected with GATA4-related conditions. ClinVar contains an entry for this variant (Variation ID: 3897161). Invitae Evidence Modeling of protein sequence and biophysical properties (such as structural, functional, and spatial information, amino acid conservation, physicochemical variation, residue mobility, and thermodynamic stability) has been performed for this missense variant. However, the output from this modeling did not meet the statistical confidence thresholds required to predict the impact of this variant on GATA4 protein function. In summary, the available evidence is currently insufficient to determine the role of this variant in disease. Therefore, it has been classified as a Variant of Uncertain Significance.

GeneDx
Classification: Uncertain significance. Last evaluated: 2024-11-05. Review status: criteria provided, single submitter. Criteria: GeneDx Variant Classification Process June 2021. Collection method: clinical testing. Allele origin: germline. Affected: yes.
Comment: Not observed at significant frequency in large population cohorts (gnomAD); In silico analysis supports that this missense variant has a deleterious effect on protein structure/function; Has not been previously published as pathogenic or benign to our knowledge